The following is an entry in ClinVar:

ClinVar aggregate classification (germline): Likely benign (1 of 4 stars; one submission).

Submission:

CeGaT Center for Human Genetics Tuebingen
Classification: Likely benign. Last evaluated: 2026-08-01. Review status: criteria provided, single submitter. Criteria: CeGaT Center For Human Genetics Tuebingen Variant Classification Criteria Version 2. Collection method: clinical testing. Allele origin: germline. Affected: yes. Observed: 1 variant allele.
Comment: ARHGAP45: PM2:Supporting, BP4, BP7

NM_012292.5(ARHGAP45):c.90+158G>A

Gene: ARHGAP45 (Rho GTPase activating protein 45; plus strand). Cytogenetic location: 19p13.3.
Variant type: single nucleotide variant.
Coding change: c.90+158G>A on transcript NM_012292.5 (MANE Select); 158 bases into the intron after coding-DNA position 90, G replaced by A.
Molecular consequence: intron variant. On other transcripts: synonymous variant (1).
Genome position (GRCh38, 1-based): chr19:1,067,653, G>A. VCF-style: chr19-1067653-G-A. GRCh37 (hg19) VCF-style: chr19-1067652-G-A.
Other names: c.81G>A, p.Arg27= (NM_001321232.2); c.139-761G>A (NM_001258328.4).
Identifiers: ClinVar variation 5040468 (VCV005040468.1).